The following is an entry in ClinVar:

ClinVar aggregate classification (germline): Pathogenic (1 of 4 stars; one submission).

Conditions:
Ataxia-telangiectasia syndrome (AT). Also called: Ataxia-telangiectasia, complementation group D; AT, COMPLEMENTATION GROUP C; ATAXIA-TELANGIECTASIA, COMPLEMENTATION GROUP A; ATAXIA-TELANGIECTASIA, FRESNO VARIANT; Ataxia-telangiectasia, complementation group E; LOUIS-BAR SYNDROME. Identifiers: Orphanet 100, MedGen C0004135, MONDO:0008840, OMIM 208900.

Submission:

Labcorp Genetics (formerly Invitae), Labcorp
Classification: Pathogenic for Ataxia-telangiectasia syndrome. Last evaluated: 2022-10-11. Review status: criteria provided, single submitter. Criteria: Invitae Variant Classification Sherloc (09022015). Collection method: clinical testing. Allele origin: germline.
Comment: For these reasons, this variant has been classified as Pathogenic. This variant has not been reported in the literature in individuals affected with ATM-related conditions. This variant is not present in population databases (gnomAD no frequency). This sequence change creates a premature translational stop signal (p.Gly2180Trpfs*17) in the ATM gene. It is expected to result in an absent or disrupted protein product. Loss-of-function variants in ATM are known to be pathogenic (PMID: 23807571, 25614872).

Literature cited by the submitters: PubMed 23807571; PubMed 25614872.

NM_000051.4(ATM):c.6537dup (p.Gly2180fs)

Genes: ATM (ATM serine/threonine kinase; plus strand), C11orf65 (chromosome 11 open reading frame 65; minus strand). Cytogenetic location: 11q22.3.
Variant type: Duplication.
Coding change: c.6537dup on transcript NM_000051.4 (MANE Select); coding-DNA position 6537, one base duplicated (T; older notation c.6537dupT).
Protein change: p.Gly2180fs; shifts the reading frame from glycine 2180.
Molecular consequence: frameshift variant. On other transcripts: intron variant (2).
Genome position (GRCh38, 1-based): chr11:108,321,385, T duplicated; the last of 2 consecutive T bases (chr11:108,321,384-108,321,385); duplicating either gives the same sequence. VCF-style (leftmost placement, unchanged base first): chr11-108321383-A-AT. GRCh37 (hg19) VCF-style: chr11-108192110-A-AT.
Other names: c.6537dup, p.Gly2180fs (NM_001351834.2); c.641-12313dup (NM_001330368.2); c.*39-12313dup (NM_001351110.2); short protein forms G2180fs.
Identifiers: ClinVar variation 2034169 (VCV002034169.4), dbSNP rs2547164074, ClinGen allele CA2580083474.